The following is an entry in ClinVar:

NM_177972.3(TUB):c.1159G>A (p.Val387Met)

Genes: RIC3 (RIC3 acetylcholine receptor chaperone; minus strand), TUB (TUB bipartite transcription factor; plus strand). Cytogenetic location: 11p15.4.
Variant type: single nucleotide variant.
Coding change: c.1159G>A on transcript NM_177972.3 (MANE Select); coding-DNA position 1159, G replaced by A.
Protein change: p.Val387Met; replaces valine 387 with methionine.
Molecular consequence: missense variant.
Genome position (GRCh38, 1-based): chr11:8,100,545, G>A. VCF-style: chr11-8100545-G-A. GRCh37 (hg19) VCF-style: chr11-8122092-G-A.
Other names: c.1324G>A (NM_003320.4); c.1324G>A, p.Val442Met (NM_003320.5); short protein forms V387M, V442M.
Identifiers: ClinVar variation 1010424 (VCV001010424.8), dbSNP rs1214536528, ClinGen allele CA379570978.

ClinVar aggregate classification (germline): Uncertain significance. Review status: criteria provided, multiple submitters, no conflicts (2 of 4 stars). 3 submissions from 3 submitters: Uncertain significance (2). 1 of the submissions does not count toward it. Last evaluated 2022-10-03.

Conditions:
TUB-related disorder. Also called: TUB-related condition.
Retinal dystrophy and obesity (RDOB). Identifiers: Orphanet 791, MedGen C4015424, MONDO:0014522, OMIM 616188.

Allele frequency attached by ClinVar (database versions not stated): gnomAD 0.00003 and 0.00002; TOPMed 0.00001.
gnomAD v4.1: 9 of 1,614,134 alleles (0.00056%); highest among the groups gnomAD compares: African/African-American, 0.004%; no homozygotes.

Submissions (3):

Labcorp Genetics (formerly Invitae), Labcorp
Classification: Uncertain significance. Last evaluated: 2022-10-03. Review status: criteria provided, single submitter. Criteria: Invitae Variant Classification Sherloc (09022015). Collection method: clinical testing. Allele origin: germline.
Comment: This sequence change replaces valine, which is neutral and non-polar, with methionine, which is neutral and non-polar, at codon 442 of the TUB protein (p.Val442Met). This variant is not present in population databases (gnomAD no frequency). This variant has not been reported in the literature in individuals affected with TUB-related conditions. ClinVar contains an entry for this variant (Variation ID: 1010424). Algorithms developed to predict the effect of missense changes on protein structure and function are either unavailable or do not agree on the potential impact of this missense change (SIFT: "Deleterious"; PolyPhen-2: "Probably Damaging"; Align-GVGD: "Class C0"). In summary, the available evidence is currently insufficient to determine the role of this variant in disease. Therefore, it has been classified as a Variant of Uncertain Significance.

New York Genome Center
Classification: Uncertain significance for Retinal dystrophy and obesity. Last evaluated: 2021-07-29. Review status: criteria provided, single submitter. Criteria: NYGC Assertion Criteria 2020. Collection method: clinical testing. Allele origin: germline. Observed: 1 heterozygote.

PreventionGenetics, part of Exact Sciences
Classification: Uncertain significance for TUB-related condition. Last evaluated: 2024-01-03. Review status: no assertion criteria provided. Collection method: clinical testing. Allele origin: germline. Not counted in ClinVar's aggregate classification.
Comment: The TUB c.1324G>A variant is predicted to result in the amino acid substitution p.Val442Met. To our knowledge, this variant has not been reported in the literature or in a large population database, indicating this variant is rare. At this time, the clinical significance of this variant is uncertain due to the absence of conclusive functional and genetic evidence.